The following is an entry in ClinVar:

ClinVar aggregate classification (germline): Likely benign. Review status: criteria provided, multiple submitters, no conflicts (2 of 4 stars). 2 submissions from 2 submitters: Likely benign (2). Last evaluated 2026-06-01.

Allele frequency attached by ClinVar (database versions not stated): gnomAD exomes 0.00002 and 0.00003; ExAC 0.00004; gnomAD 0.00004 and 0.00005; TOPMed 0.00004; ESP Exome Variant Server 0.00008.
gnomAD v4.1: 40 of 1,613,634 alleles (0.0025%); highest among the groups gnomAD compares: Middle Eastern, 0.083%; no homozygotes.

Submissions (2):

CeGaT Center for Human Genetics Tuebingen
Classification: Likely benign. Last evaluated: 2026-06-01. Review status: criteria provided, single submitter. Criteria: CeGaT Center For Human Genetics Tuebingen Variant Classification Criteria Version 2. Collection method: clinical testing. Allele origin: germline. Affected: yes. Observed: 2 variant alleles.
Comment: KLC2: BP4, BP7

Labcorp Genetics (formerly Invitae), Labcorp
Classification: Likely benign. Last evaluated: 2022-04-10. Review status: criteria provided, single submitter. Criteria: Invitae Variant Classification Sherloc (09022015). Collection method: clinical testing. Allele origin: germline.

NM_001318734.2(KLC2):c.30G>A (p.Glu10=)

Gene: KLC2 (kinesin light chain 2; plus strand). Cytogenetic location: 11q13.2.
Variant type: single nucleotide variant.
Coding change: c.30G>A on transcript NM_001318734.2 (MANE Select); coding-DNA position 30, G replaced by A.
Protein change: p.Glu10=; no amino-acid change (glutamic acid 10 retained).
Molecular consequence: synonymous variant.
Genome position (GRCh38, 1-based): chr11:66,258,624, G>A. VCF-style: chr11-66258624-G-A. GRCh37 (hg19) VCF-style: chr11-66026095-G-A.
Other names: c.30G>A, p.Glu10= (NM_001134774.2, NM_001134775.2, NM_001134776.2 and 1 more transcripts).
Identifiers: ClinVar variation 1596624 (VCV001596624.26), dbSNP rs141220321, ClinGen allele CA6116982.
Genomic context (GRCh38, chr11:66,258,624, plus strand): 5'-CCGCACCCTCGTCCTCACAGACGCCACAGCCATGGCCATGATGGTGTTTCCGCGGGAGGA[G>A]AAGCTGAGCCAGGATGAGATCGTGCTGGGCACCAAGGCTGTCATCCAGGGACTGGAGACT-3'
Protein context (NP_001305663.1, residues 1-20): MAMMVFPRE[Glu10=]KLSQDEIVLG